The following is an entry in ClinVar:

ClinVar aggregate classification (germline): Uncertain significance (1 of 4 stars; one submission).

Conditions:
Immunodeficiency 14 (IMD14A). Also called: ACTIVATED PI3K-DELTA SYNDROME 1; Activated PI3K Delta Syndrome Type 1 (APDS1); p110-DELTA-ACTIVATING MUTATION CAUSING SENESCENT T CELLS, LYMPHADENOPATHY, AND IMMUNODEFICIENCY; IMMUNODEFICIENCY 14A WITH LYMPHOPROLIFERATION, AUTOSOMAL DOMINANT. Identifiers: Orphanet 397596, Orphanet 693661, MedGen C5907821, MONDO:0014222, OMIM 615513.

Allele frequency attached by ClinVar (database versions not stated): gnomAD exomes below 0.00001 and 0.00001; ExAC 0.00001.

Submission:

Labcorp Genetics (formerly Invitae), Labcorp
Classification: Uncertain significance for Activated PI3K-delta syndrome. Last evaluated: 2023-11-28. Review status: criteria provided, single submitter. Criteria: Invitae Variant Classification Sherloc (09022015). Collection method: clinical testing. Allele origin: germline.
Comment: This sequence change replaces arginine, which is basic and polar, with histidine, which is basic and polar, at codon 641 of the PIK3CD protein (p.Arg641His). This variant is present in population databases (rs761809287, gnomAD 0.006%). This variant has not been reported in the literature in individuals affected with PIK3CD-related conditions. ClinVar contains an entry for this variant (Variation ID: 1515731). Advanced modeling of protein sequence and biophysical properties (such as structural, functional, and spatial information, amino acid conservation, physicochemical variation, residue mobility, and thermodynamic stability) performed at Invitae indicates that this missense variant is not expected to disrupt PIK3CD protein function with a negative predictive value of 80%. In summary, the available evidence is currently insufficient to determine the role of this variant in disease. Therefore, it has been classified as a Variant of Uncertain Significance.

NM_005026.5(PIK3CD):c.1922G>A (p.Arg641His)

Gene: PIK3CD (phosphatidylinositol-4,5-bisphosphate 3-kinase catalytic subunit delta; plus strand). Cytogenetic location: 1p36.22.
Variant type: single nucleotide variant.
Coding change: c.1922G>A on transcript NM_005026.5 (MANE Select); coding-DNA position 1922, G replaced by A.
Protein change: p.Arg641His; replaces arginine 641 with histidine.
Molecular consequence: missense variant.
Genome position (GRCh38, 1-based): chr1:9,721,554, G>A. VCF-style: chr1-9721554-G-A. GRCh37 (hg19) VCF-style: chr1-9781612-G-A.
Other names: c.1919G>A, p.Arg640His (NM_001350234.2); c.1835G>A, p.Arg612His (NM_001350235.1); short protein forms R612H, R641H, R640H.
Identifiers: ClinVar variation 1515731 (VCV001515731.6), dbSNP rs761809287, ClinGen allele CA577363.